The following is an entry in ClinVar:

NM_001145373.3(OTUD1):c.808G>T (p.Ala270Ser)

Genes: OTUD1 (OTU deubiquitinase 1; plus strand), LOC130003514 (ATAC-STARR-seq lymphoblastoid silent region 2219; plus strand). Cytogenetic location: 10p12.2.
Variant type: single nucleotide variant.
Coding change: c.808G>T on transcript NM_001145373.3 (MANE Select); coding-DNA position 808, G replaced by T.
Protein change: p.Ala270Ser; replaces alanine 270 with serine.
Molecular consequence: missense variant.
Genome position (GRCh38, 1-based): chr10:23,440,265, G>T. VCF-style: chr10-23440265-G-T. GRCh37 (hg19) VCF-style: chr10-23729194-G-T.
Other names: short protein forms A270S.
Identifiers: ClinVar variation 3042653 (VCV003042653.2), dbSNP rs115994850, ClinGen allele CA5438977.

ClinVar aggregate classification (germline): Benign (0 of 4 stars; one submission).

Conditions:
OTUD1-related disorder. Also called: OTUD1-related condition.

Allele frequency attached by ClinVar (database versions not stated): ExAC 0.00450; 1000 Genomes Project 0.00879; 1000 Genomes Project 30x 0.00890.

Submission:

PreventionGenetics, part of Exact Sciences
Classification: Benign for OTUD1-related condition. Last evaluated: 2019-08-09. Review status: no assertion criteria provided. Collection method: clinical testing. Allele origin: germline.
Comment: This variant is classified as benign based on ACMG/AMP sequence variant interpretation guidelines (Richards et al. 2015 PMID: 25741868, with internal and published modifications).